The following is an entry in ClinVar:

ClinVar aggregate classification (germline): Likely benign. Review status: criteria provided, single submitter (1 of 4 stars). 2 submissions from 1 submitter: Likely benign (2). Last evaluated 2018-01-13.

Conditions:
Retinitis pigmentosa (RP). Identifiers: Orphanet 791, MedGen C0035334, MeSH D012174, MONDO:0019200, OMIM 268000. Inheritance: Autosomal dominant, autosomal recessive and X linked inheritance.
Leber congenital amaurosis 2 (LCA2). Also called: AMAUROSIS CONGENITA OF LEBER II; Autosomal Recessive RPE65-Related Retinal Degeneration. Identifiers: Orphanet 65, MedGen C1859844, MONDO:0008765, OMIM 204100. Disease mechanism: loss of function.

Allele frequency attached by ClinVar (database versions not stated): gnomAD 0.00828 and 0.00888; TOPMed 0.00943; 1000 Genomes Project 0.00998; 1000 Genomes Project 30x 0.01077.

Submissions (2):

Illumina Laboratory Services, Illumina
Classification: Likely benign for Retinitis pigmentosa. Last evaluated: 2018-01-13. Review status: criteria provided, single submitter. Criteria: ICSL Variant Classification Criteria 13 December 2019. Collection method: clinical testing. Allele origin: germline.
Comment: This variant was observed in the ICSL laboratory as part of a predisposition screen in an ostensibly healthy population. It had not been previously curated by ICSL or reported in the Human Gene Mutation Database (HGMD: prior to June 1st, 2018), and was therefore a candidate for classification through an automated scoring system. Utilizing variant allele frequency, disease prevalence and penetrance estimates, and inheritance mode, an automated score was calculated to assess if this variant is too frequent to cause the disease. Based on the score and internal cut-off values, a variant classified as likely benign is not then subjected to further curation. The score for this variant resulted in a classification of likely benign for this disease.

Illumina Laboratory Services, Illumina
Classification: Likely benign for Leber congenital amaurosis 2. Last evaluated: 2018-01-13. Review status: criteria provided, single submitter. Criteria: ICSL Variant Classification Criteria 13 December 2019. Collection method: clinical testing. Allele origin: germline.
Comment: the same text as in the submission from Illumina Laboratory Services, Illumina above.

NM_000329.3(RPE65):c.*680G>A

Gene: RPE65 (retinoid isomerohydrolase RPE65; minus strand). Cytogenetic location: 1p31.3.
Variant type: single nucleotide variant.
Coding change: c.*680G>A on transcript NM_000329.3 (MANE Select); 680 bases downstream of the stop codon, G replaced by A.
Molecular consequence: 3 prime UTR variant.
Genome position (GRCh38, 1-based): chr1:68,429,096, C>T on the plus strand (G>A on the coding strand, the complement: RPE65 is on the minus strand). VCF-style: chr1-68429096-C-T. GRCh37 (hg19) VCF-style: chr1-68894779-C-T.
Identifiers: ClinVar variation 876922 (VCV000876922.4), dbSNP rs56113622, ClinGen allele CA23562088.
Genomic context (GRCh38, chr1:68,429,096, plus strand): 5'-AAGCATTTTATGCTGTTTTTTTAAATATAGTCACTACTATATGTACTTGCTTTTATGTTA[C>T]ATAAGCTTTTAATATATAACTTAATCTCTGAGATGTTATTTGGTTGAGAGGCCTCAGTTG-3'